The following is an entry in ClinVar:

ClinVar aggregate classification (germline): Uncertain significance. Review status: criteria provided, multiple submitters, no conflicts (2 of 4 stars). 2 submissions from 2 submitters: Uncertain significance (2). Last evaluated 2026-08-20.

Conditions:
Retinoblastoma (RB1). Also called: RETINOBLASTOMA, SOMATIC. Identifiers: Orphanet 790, MedGen C0035335, MeSH D012175, MONDO:0008380, OMIM 180200, HP:0009919. Disease mechanism: loss of function. Inheritance: Both sporadic and heritable forms are tested..
Hereditary cancer-predisposing syndrome. Also called: Neoplastic Syndromes, Hereditary; Hereditary Cancer Syndrome; Tumor predisposition; Hereditary neoplastic syndrome. Identifiers: Orphanet 140162, MedGen C0027672, MeSH D009386, MONDO:0015356.

Allele frequency attached by ClinVar (database versions not stated): TOPMed 0.00001.
gnomAD v4.1: 1 of 1,612,810 alleles (0.000062%); highest among the groups gnomAD compares: East Asian, 0.0022%; no homozygotes.

Submissions (2):

Ambry Genetics
Classification: Uncertain significance for Hereditary cancer-predisposing syndrome. Last evaluated: 2026-08-20. Review status: criteria provided, single submitter. Criteria: Ambry Variant Classification Scheme 2023. Collection method: clinical testing. Allele origin: germline.
Comment: The p.R544S variant (also known as c.1632A>T), located in coding exon 17 of the RB1 gene, results from an A to T substitution at nucleotide position 1632. The arginine at codon 544 is replaced by serine, an amino acid with dissimilar properties. This amino acid position is not well conserved in available vertebrate species. In addition, the in silico prediction for this alteration is inconclusive. Based on the available evidence, the clinical significance of this variant remains unclear.

Labcorp Genetics (formerly Invitae), Labcorp
Classification: Uncertain significance for Retinoblastoma. Last evaluated: 2021-08-18. Review status: criteria provided, single submitter. Criteria: Invitae Variant Classification Sherloc (09022015). Collection method: clinical testing. Allele origin: germline.
Comment: This variant has not been reported in the literature in individuals with RB1-related conditions. This variant is present in population databases (rs143948310, ExAC 0.01%). This sequence change replaces arginine with serine at codon 544 of the RB1 protein (p.Arg544Ser). The arginine residue is highly conserved and there is a moderate physicochemical difference between arginine and serine. Algorithms developed to predict the effect of missense changes on protein structure and function (SIFT, PolyPhen-2, Align-GVGD) all suggest that this variant is likely to be disruptive, but these predictions have not been confirmed by published functional studies and their clinical significance is uncertain. In summary, the available evidence is currently insufficient to determine the role of this variant in disease. Therefore, it has been classified as a Variant of Uncertain Significance.

NM_000321.3(RB1):c.1632A>T (p.Arg544Ser)

Gene: RB1 (RB transcriptional corepressor 1; plus strand). Cytogenetic location: 13q14.2.
Variant type: single nucleotide variant.
Coding change: c.1632A>T on transcript NM_000321.3 (MANE Select); coding-DNA position 1632, A replaced by T.
Protein change: p.Arg544Ser; replaces arginine 544 with serine.
Molecular consequence: missense variant.
Genome position (GRCh38, 1-based): chr13:48,381,380, A>T. VCF-style: chr13-48381380-A-T. GRCh37 (hg19) VCF-style: chr13-48955516-A-T.
Other names: short protein forms R544S.
Identifiers: ClinVar variation 966919 (VCV000966919.9), dbSNP rs143948310, ClinGen allele CA029212.
Genomic context (GRCh38, chr13:48,381,380, plus strand): 5'-AGCCTTTGATTTTTACAAAGTGATCGAAAGTTTTATCAAAGCAGAAGGCAACTTGACAAG[A>T]GAAATGATAAAACATTTAGAACGATGTGAACATCGAATCATGGAATCCCTTGCATGGCTC-3'
Protein context (NP_000312.2, residues 534-554): SFIKAEGNLT[Arg544Ser]EMIKHLERCE